The following is an entry in ClinVar:

NM_000143.4(FH):c.1207T>C (p.Phe403Leu)

Gene: FH (fumarate hydratase; minus strand). Cytogenetic location: 1q43.
Variant type: single nucleotide variant.
Coding change: c.1207T>C on transcript NM_000143.4 (MANE Select); coding-DNA position 1207, T replaced by C.
Protein change: p.Phe403Leu; replaces phenylalanine 403 with leucine.
Molecular consequence: missense variant.
Genome position (GRCh38, 1-based): chr1:241,502,472, A>G on the plus strand (T>C on the coding strand, the complement: FH is on the minus strand). VCF-style: chr1-241502472-A-G. GRCh37 (hg19) VCF-style: chr1-241665772-A-G.
Other names: short protein forms F403L.
Identifiers: ClinVar variation 2728534 (VCV002728534.3), dbSNP rs2527316545, ClinGen allele CA345437325.

ClinVar aggregate classification (germline): Uncertain significance (1 of 4 stars; one submission).

Submission:

Labcorp Genetics (formerly Invitae), Labcorp
Classification: Uncertain significance. Last evaluated: 2023-08-02. Review status: criteria provided, single submitter. Criteria: Invitae Variant Classification Sherloc (09022015). Collection method: clinical testing. Allele origin: germline.
Comment: In summary, the available evidence is currently insufficient to determine the role of this variant in disease. Therefore, it has been classified as a Variant of Uncertain Significance. Advanced modeling of protein sequence and biophysical properties (such as structural, functional, and spatial information, amino acid conservation, physicochemical variation, residue mobility, and thermodynamic stability) has been performed at Invitae for this missense variant, however the output from this modeling did not meet the statistical confidence thresholds required to predict the impact of this variant on FH protein function. This variant has not been reported in the literature in individuals affected with FH-related conditions. This variant is not present in population databases (gnomAD no frequency). This sequence change replaces phenylalanine, which is neutral and non-polar, with leucine, which is neutral and non-polar, at codon 403 of the FH protein (p.Phe403Leu).